The following is an entry in ClinVar:

ClinVar aggregate classification (germline): Uncertain significance (1 of 4 stars; one submission).

Submission:

GeneDx
Classification: Uncertain significance. Last evaluated: 2024-10-16. Review status: criteria provided, single submitter. Criteria: GeneDx Variant Classification Process June 2021. Collection method: clinical testing. Allele origin: germline. Affected: yes.
Comment: Not observed at significant frequency in large population cohorts (gnomAD); In silico analysis supports that this missense variant has a deleterious effect on protein structure/function; Has not been previously published as pathogenic or benign to our knowledge; Variants in candidate genes are classified as variants of uncertain significance in accordance with ACMG guidelines (PMID: 25741868)

NM_001711.6(BGN):c.877C>T (p.Pro293Ser)

Gene: BGN (biglycan; plus strand). Cytogenetic location: Xq28.
Variant type: single nucleotide variant.
Coding change: c.877C>T on transcript NM_001711.6 (MANE Select); coding-DNA position 877, C replaced by T.
Protein change: p.Pro293Ser; replaces proline 293 with serine.
Molecular consequence: missense variant.
Genome position (GRCh38, 1-based): chrX:153,507,153, C>T. VCF-style: chrX-153507153-C-T. GRCh37 (hg19) VCF-style: chrX-152772611-C-T.
Other names: short protein forms P293S.
Identifiers: ClinVar variation 4527056 (VCV004527056.1).